The following is an entry in ClinVar:

NM_000642.3(AGL):c.1736-18T>G

Gene: AGL (amylo-alpha-1,6-glucosidase and 4-alpha-glucanotransferase; plus strand). Cytogenetic location: 1p21.2.
Variant type: single nucleotide variant.
Coding change: c.1736-18T>G on transcript NM_000642.3 (MANE Select); 18 bases into the intron before coding-DNA position 1736, T replaced by G.
Molecular consequence: intron variant.
Genome position (GRCh38, 1-based): chr1:99,880,614, T>G. VCF-style: chr1-99880614-T-G. GRCh37 (hg19) VCF-style: chr1-100346170-T-G.
Other names: c.1736-18T>G (NM_000643.3, NM_000644.3, NM_001425326.1 and 2 more transcripts); c.1688-18T>G (NM_000646.3); c.1535-18T>G (NM_001425327.1); c.1532-18T>G (NM_001425328.1, NM_001425329.1); c.1358-18T>G (NM_001425332.1).
Identifiers: ClinVar variation 3604148 (VCV003604148.2).

ClinVar aggregate classification (germline): Uncertain significance (1 of 4 stars; one submission).

Conditions:
Glycogen storage disease type III (GSD3). Also called: Cori disease; FORBES DISEASE. Identifiers: Orphanet 366, MedGen C0017922, MONDO:0009291, OMIM 232400.

Submission:

Labcorp Genetics (formerly Invitae), Labcorp
Classification: Uncertain significance for Glycogen storage disease type III. Last evaluated: 2024-07-24. Review status: criteria provided, single submitter. Criteria: Invitae Variant Classification Sherloc (09022015). Collection method: clinical testing. Allele origin: germline.
Comment: This sequence change falls in intron 13 of the AGL gene. It does not directly change the encoded amino acid sequence of the AGL protein. This variant is not present in population databases (gnomAD no frequency). This variant has not been reported in the literature in individuals affected with AGL-related conditions. Algorithms developed to predict the effect of sequence changes on RNA splicing suggest that this variant may disrupt the consensus splice site. In summary, the available evidence is currently insufficient to determine the role of this variant in disease. Therefore, it has been classified as a Variant of Uncertain Significance.